The following is an entry in ClinVar:

ClinVar aggregate classification (germline): Uncertain significance (1 of 4 stars; one submission).

Allele frequency attached by ClinVar (database versions not stated): gnomAD exomes below 0.00001.
gnomAD v4.1: 1 of 1,604,246 alleles (0.000062%); highest among the groups gnomAD compares: Non-Finnish European, 0.000085%; no homozygotes.

Submission:

Ambry Genetics
Classification: Uncertain significance. Last evaluated: 2023-05-15. Review status: criteria provided, single submitter. Criteria: Ambry Variant Classification Scheme 2023. Collection method: clinical testing. Allele origin: germline.
Comment: The p.T1662A variant (also known as c.4984A>G), located in coding exon 16 of the POLQ gene, results from an A to G substitution at nucleotide position 4984. The threonine at codon 1662 is replaced by alanine, an amino acid with similar properties. This amino acid position is conserved. In addition, this alteration is predicted to be tolerated by in silico analysis. Since supporting evidence is limited at this time, the clinical significance of this alteration remains unclear.

NM_199420.4(POLQ):c.4984A>G (p.Thr1662Ala)

Gene: POLQ (DNA polymerase theta; minus strand). Cytogenetic location: 3q13.33.
Variant type: single nucleotide variant.
Coding change: c.4984A>G on transcript NM_199420.4 (MANE Select); coding-DNA position 4984, A replaced by G.
Protein change: p.Thr1662Ala; replaces threonine 1662 with alanine.
Molecular consequence: missense variant.
Genome position (GRCh38, 1-based): chr3:121,487,947, T>C on the plus strand (A>G on the coding strand, the complement: POLQ is on the minus strand). VCF-style: chr3-121487947-T-C. GRCh37 (hg19) VCF-style: chr3-121206794-T-C.
Other names: short protein forms T1662A.
Identifiers: ClinVar variation 2560563 (VCV002560563.2), dbSNP rs2546785286, ClinGen allele CA354092722.